The following is an entry in ClinVar:

NM_003482.4(KMT2D):c.6455G>T (p.Gly2152Val)

Gene: KMT2D (lysine methyltransferase 2D; minus strand). Cytogenetic location: 12q13.12.
Variant type: single nucleotide variant.
Coding change: c.6455G>T on transcript NM_003482.4 (MANE Select); coding-DNA position 6455, G replaced by T.
Protein change: p.Gly2152Val; replaces glycine 2152 with valine.
Molecular consequence: missense variant.
Genome position (GRCh38, 1-based): chr12:49,041,315, C>A on the plus strand (G>T on the coding strand, the complement: KMT2D is on the minus strand). VCF-style: chr12-49041315-C-A. GRCh37 (hg19) VCF-style: chr12-49435098-C-A.
Other names: short protein forms G2152V.
Identifiers: ClinVar variation 1497935 (VCV001497935.6), dbSNP rs1403974587, ClinGen allele CA384750801.
Genomic context (GRCh38, chr12:49,041,315, plus strand): 5'-GGCACTTGGGCGGGCACCTGGGGTGGGAGCTTGAGGAAGAGCTCACCAGGCGAGTCAGGG[C>A]CAGGCACCGAGCCCGCCGGCGGCTTCAGGAACCCGTCCGCAGAGGTAGACAAGCCGGCGG-3'
Protein context (NP_003473.3, residues 2142-2162): FLKPPAGSVP[Gly2152Val]PDSPGELFLK

ClinVar aggregate classification (germline): Uncertain significance (1 of 4 stars; one submission).

Conditions:
Kabuki syndrome. Also called: Kabuki make-up syndrome; NIIKAWA-KUROKI SYNDROME. Identifiers: Orphanet 2322, MedGen C0796004, MONDO:0016512.

Allele frequency attached by ClinVar (database versions not stated): gnomAD exomes below 0.00001.
gnomAD v4.1: 1 of 1,537,916 alleles (0.000065%); highest among the groups gnomAD compares: South Asian, 0.0013%; no homozygotes.

Submission:

Labcorp Genetics (formerly Invitae), Labcorp
Classification: Uncertain significance for Kabuki syndrome. Last evaluated: 2023-03-20. Review status: criteria provided, single submitter. Criteria: Invitae Variant Classification Sherloc (09022015). Collection method: clinical testing. Allele origin: germline.
Comment: In summary, the available evidence is currently insufficient to determine the role of this variant in disease. Therefore, it has been classified as a Variant of Uncertain Significance. Advanced modeling of protein sequence and biophysical properties (such as structural, functional, and spatial information, amino acid conservation, physicochemical variation, residue mobility, and thermodynamic stability) performed at Invitae indicates that this missense variant is not expected to disrupt KMT2D protein function. ClinVar contains an entry for this variant (Variation ID: 1497935). This variant has not been reported in the literature in individuals affected with KMT2D-related conditions. This variant is not present in population databases (gnomAD no frequency). This sequence change replaces glycine, which is neutral and non-polar, with valine, which is neutral and non-polar, at codon 2152 of the KMT2D protein (p.Gly2152Val).